The following is an entry in ClinVar:

NM_001048174.2(MUTYH):c.914-11T>C

Gene: MUTYH (mutY DNA glycosylase; minus strand). Cytogenetic location: 1p34.1.
Variant type: single nucleotide variant.
Coding change: c.914-11T>C on transcript NM_001048174.2 (MANE Select); 11 bases into the intron before coding-DNA position 914, T replaced by C.
Molecular consequence: intron variant.
Genome position (GRCh38, 1-based): chr1:45,331,860, A>G on the plus strand (T>C on the coding strand, the complement: MUTYH is on the minus strand). VCF-style: chr1-45331860-A-G. GRCh37 (hg19) VCF-style: chr1-45797532-A-G.
Other names: c.914-11T>C (NM_001407072.1, NM_001407073.1, NM_001048171.2 and 6 more transcripts); c.569-11T>C (NM_001350651.2, NM_001350650.2, NM_001407082.1); c.638-11T>C (NM_001293192.2, NM_001293196.2, NM_001407091.1); c.959-11T>C (NM_001293190.2); c.947-11T>C (NM_001407069.1, NM_001407077.1, NM_001293191.2); c.989-11T>C (NM_012222.3); c.998-11T>C (NM_001128425.2); c.917-11T>C (NM_001407071.1, NM_001048172.2, NM_001407078.1 and 1 more transcripts); and 5 more.
Identifiers: ClinVar variation 3680081 (VCV003680081.2).

ClinVar aggregate classification (germline): Uncertain significance (1 of 4 stars; one submission).

Conditions:
Familial adenomatous polyposis 2. Also called: COLORECTAL ADENOMATOUS POLYPOSIS, AUTOSOMAL RECESSIVE; ADENOMAS, MULTIPLE COLORECTAL, AUTOSOMAL RECESSIVE; MYH-associated polyposis; Adenomas, multiple colorectal; FAP type 2; MUTYH-associated polyposis. Identifiers: Orphanet 220460, Orphanet 247798, MedGen C3272841, MONDO:0012041, OMIM 608456.

Submission:

Labcorp Genetics (formerly Invitae), Labcorp
Classification: Uncertain significance for Familial adenomatous polyposis 2. Last evaluated: 2025-05-05. Review status: criteria provided, single submitter. Criteria: Invitae Variant Classification Sherloc (09022015). Collection method: clinical testing. Allele origin: germline.
Comment: This sequence change falls in intron 11 of the MUTYH gene. It does not directly change the encoded amino acid sequence of the MUTYH protein. This variant is not present in population databases (gnomAD no frequency). This variant has not been reported in the literature in individuals affected with MUTYH-related conditions. ClinVar contains an entry for this variant (Variation ID: 3680081). Algorithms developed to predict the effect of sequence changes on RNA splicing suggest that this variant may disrupt the consensus splice site. In summary, the available evidence is currently insufficient to determine the role of this variant in disease. Therefore, it has been classified as a Variant of Uncertain Significance.